The following is an entry in ClinVar:

ClinVar aggregate classification (germline): Uncertain significance (1 of 4 stars; one submission).

Conditions:
Neuropathy, hereditary sensory and autonomic, type 2A (HSAN2A). Also called: WNK1-Related HSAN2 (HSAN2A); ACROOSTEOLYSIS, GIACCAI TYPE; ACROOSTEOLYSIS, NEUROGENIC; HSAN IIA; MORVAN DISEASE; NEUROPATHY, CONGENITAL SENSORY. Identifiers: Orphanet 970, MedGen C2752089, MONDO:0024309, OMIM 201300.
Generalized epilepsy with febrile seizures plus, type 7 (GEFSP7). Also called: GEFS+, TYPE 7. Identifiers: Orphanet 36387, MedGen C2751778, MONDO:0013470, OMIM 613863.

Allele frequency attached by ClinVar (database versions not stated): gnomAD 0.00001.
gnomAD v4.1: 1 of 1,612,620 alleles (0.000062%); highest among the groups gnomAD compares: Admixed American, 0.0017%; no homozygotes.

Submission:

Labcorp Genetics (formerly Invitae), Labcorp
Classification: Uncertain significance for Neuropathy, hereditary sensory and autonomic, type 2A; Generalized epilepsy with febrile seizures plus, type 7. Last evaluated: 2021-01-29. Review status: criteria provided, single submitter. Criteria: Invitae Variant Classification Sherloc (09022015). Collection method: clinical testing. Allele origin: germline.
Comment: In summary, the available evidence is currently insufficient to determine the role of this variant in disease. Therefore, it has been classified as a Variant of Uncertain Significance. Algorithms developed to predict the effect of missense changes on protein structure and function (SIFT, PolyPhen-2, Align-GVGD) all suggest that this variant is likely to be disruptive, but these predictions have not been confirmed by published functional studies and their clinical significance is uncertain. This variant has not been reported in the literature in individuals with SCN9A-related conditions. This variant is not present in population databases (ExAC no frequency). This sequence change replaces phenylalanine with cysteine at codon 793 of the SCN9A protein (p.Phe793Cys). The phenylalanine residue is highly conserved and there is a large physicochemical difference between phenylalanine and cysteine.

NM_001365536.1(SCN9A):c.2411T>G (p.Phe804Cys)

Genes: SCN9A (sodium voltage-gated channel alpha subunit 9; minus strand), SCN1A-AS1 (SCN1A and SCN9A antisense RNA 1; plus strand). Cytogenetic location: 2q24.3.
Variant type: single nucleotide variant.
Coding change: c.2411T>G on transcript NM_001365536.1 (MANE Select); coding-DNA position 2411, T replaced by G.
Protein change: p.Phe804Cys; replaces phenylalanine 804 with cysteine.
Molecular consequence: missense variant.
Genome position (GRCh38, 1-based): chr2:166,278,246, A>C on the plus strand (T>G on the coding strand, the complement: SCN9A is on the minus strand). VCF-style: chr2-166278246-A-C. GRCh37 (hg19) VCF-style: chr2-167134756-A-C.
Other names: c.2378T>G, p.Phe793Cys (NM_002977.4); short protein forms F804C, F793C.
Identifiers: ClinVar variation 1470298 (VCV001470298.8), dbSNP rs1697325042, ClinGen allele CA349078391.
Genomic context (GRCh38, chr2:166,278,246, plus strand): 5'-AAGAGCTCCACTAAACTTAAAGTCACAATAAGGCTGTCAAAAATATTCCAGCCTACTTGG[A>C]AATACTCATATGGATCCATGGCAATCAGTTTTAATACCATTTCAGCTGCAAAGATTCCAG-3'
Protein context (NP_001352465.1, residues 794-814): KLIAMDPYEY[Phe804Cys]QVGWNIFDSL